The following is an entry in ClinVar:

NM_001111125.3(IQSEC2):c.3515dup (p.Ser1172fs)

Gene: IQSEC2 (IQ motif and Sec7 domain ArfGEF 2; minus strand). Cytogenetic location: Xp11.22.
Variant type: Duplication.
Coding change: c.3515dup on transcript NM_001111125.3 (MANE Select); coding-DNA position 3515, one base duplicated (G; older notation c.3515dupG).
Protein change: p.Ser1172fs; shifts the reading frame from serine 1172.
Molecular consequence: frameshift variant. On other transcripts: synonymous variant (1).
Genome position (GRCh38, 1-based): chrX:53,235,171, C duplicated on the plus strand (G on the coding strand, the reverse complement: IQSEC2 is on the minus strand). VCF-style (leftmost placement, unchanged base first): chrX-53235170-G-GC. GRCh37 (hg19) VCF-style: chrX-53264352-G-GC.
Other names: c.2850dup, p.Ter950= (NM_015075.2); short protein forms S1172fs.
Identifiers: ClinVar variation 1218675 (VCV001218675.3), dbSNP rs2147006430, ClinGen allele CA2499226780.

ClinVar aggregate classification (germline): Pathogenic (1 of 4 stars; one submission).

Submission:

GeneDx
Classification: Pathogenic. Last evaluated: 2019-08-02. Review status: criteria provided, single submitter. Criteria: GeneDx Variant Classification Process June 2021. Collection method: clinical testing. Allele origin: germline. Affected: yes.
Comment: Frameshift variant in the C-terminus predicted to result in protein truncation, as the last 317 amino acids are lost and replaced with 78 incorrect amino acids (Stenson et al., 2014); Not observed in large population cohorts (Lek et al., 2016); Has not been previously published as pathogenic or benign to our knowledge